The following is an entry in ClinVar:

NM_007144.3(PCGF2):c.491G>A (p.Arg164His)

Gene: PCGF2 (polycomb group ring finger 2; minus strand). Cytogenetic location: 17q12.
Variant type: single nucleotide variant.
Coding change: c.491G>A on transcript NM_007144.3 (MANE Select); coding-DNA position 491, G replaced by A.
Protein change: p.Arg164His; replaces arginine 164 with histidine.
Molecular consequence: missense variant.
Genome position (GRCh38, 1-based): chr17:38,738,438, C>T on the plus strand (G>A on the coding strand, the complement: PCGF2 is on the minus strand). VCF-style: chr17-38738438-C-T. GRCh37 (hg19) VCF-style: chr17-36894691-C-T.
Other names: c.491G>A, p.Arg164His (NM_001369614.1, NM_001369615.1); short protein forms R164H.
Identifiers: ClinVar variation 2067072 (VCV002067072.4), dbSNP rs1027436811, ClinGen allele CA290333322.

ClinVar aggregate classification (germline): Uncertain significance (1 of 4 stars; one submission).

Allele frequency attached by ClinVar (database versions not stated): gnomAD exomes 0.00001; TOPMed 0.00001.
gnomAD v4.1: 3 of 1,614,172 alleles (0.00019%); highest among the groups gnomAD compares: Admixed American, 0.0017%; no homozygotes.

Submission:

Labcorp Genetics (formerly Invitae), Labcorp
Classification: Uncertain significance. Last evaluated: 2025-03-17. Review status: criteria provided, single submitter. Criteria: Invitae Variant Classification Sherloc (09022015). Collection method: clinical testing. Allele origin: germline.
Comment: This sequence change replaces arginine, which is basic and polar, with histidine, which is basic and polar, at codon 164 of the PCGF2 protein (p.Arg164His). This variant is present in population databases (no rsID available, gnomAD 0.007%). This variant has not been reported in the literature in individuals affected with PCGF2-related conditions. ClinVar contains an entry for this variant (Variation ID: 2067072). Invitae Evidence Modeling of protein sequence and biophysical properties (such as structural, functional, and spatial information, amino acid conservation, physicochemical variation, residue mobility, and thermodynamic stability) indicates that this missense variant is expected to disrupt PCGF2 protein function with a positive predictive value of 80%. In summary, the available evidence is currently insufficient to determine the role of this variant in disease. Therefore, it has been classified as a Variant of Uncertain Significance.